The following is an entry in ClinVar:

NM_005188.4(CBL):c.1147A>C (p.Ile383Leu)

Gene: CBL (Cbl proto-oncogene; plus strand). Cytogenetic location: 11q23.3.
Variant type: single nucleotide variant.
Coding change: c.1147A>C on transcript NM_005188.4 (MANE Select); coding-DNA position 1147, A replaced by C.
Protein change: p.Ile383Leu; replaces isoleucine 383 with leucine.
Molecular consequence: missense variant.
Genome position (GRCh38, 1-based): chr11:119,278,217, A>C. VCF-style: chr11-119278217-A-C. GRCh37 (hg19) VCF-style: chr11-119148927-A-C.
Other names: short protein forms I383L.
Identifiers: ClinVar variation 1716702 (VCV001716702.5), dbSNP rs1265704711, ClinGen allele CA382912518.

ClinVar aggregate classification (germline): Uncertain significance (1 of 4 stars; one submission).

Conditions:
RASopathy. Also called: rasopathies; Noonan spectrum disorder. Identifiers: Orphanet 536391, MedGen C5555857, MONDO:0021060.

gnomAD v4.1: 1 of 1,612,068 alleles (0.000062%); highest among the groups gnomAD compares: Admixed American, 0.0017%; no homozygotes.

Submission:

Labcorp Genetics (formerly Invitae), Labcorp
Classification: Uncertain significance for RASopathy. Last evaluated: 2022-08-19. Review status: criteria provided, single submitter. Criteria: Invitae Variant Classification Sherloc (09022015). Collection method: clinical testing. Allele origin: germline.
Comment: This sequence change replaces isoleucine, which is neutral and non-polar, with leucine, which is neutral and non-polar, at codon 383 of the CBL protein (p.Ile383Leu). This variant is present in population databases (no rsID available, gnomAD 0.003%). This variant has not been reported in the literature in individuals affected with CBL-related conditions. Algorithms developed to predict the effect of missense changes on protein structure and function are either unavailable or do not agree on the potential impact of this missense change (SIFT: "Deleterious"; PolyPhen-2: "Probably Damaging"; Align-GVGD: "Class C0"). In summary, the available evidence is currently insufficient to determine the role of this variant in disease. Therefore, it has been classified as a Variant of Uncertain Significance.